The following is an entry in ClinVar:

NM_002485.5(NBN):c.128G>T (p.Arg43Leu)

Gene: NBN (nibrin; minus strand). Cytogenetic location: 8q21.3.
Variant type: single nucleotide variant.
Coding change: c.128G>T on transcript NM_002485.5 (MANE Select); coding-DNA position 128, G replaced by T.
Protein change: p.Arg43Leu; replaces arginine 43 with leucine.
Molecular consequence: missense variant. On other transcripts: 5 prime UTR variant (1).
Genome position (GRCh38, 1-based): chr8:89,982,765, C>A on the plus strand (G>T on the coding strand, the complement: NBN is on the minus strand). VCF-style: chr8-89982765-C-A. GRCh37 (hg19) VCF-style: chr8-90994993-C-A.
Other names: c.-169G>T (NM_001024688.3); short protein forms R43L.
Identifiers: ClinVar variation 962052 (VCV000962052.10), dbSNP rs759146120, ClinGen allele CA371663045.

ClinVar aggregate classification (germline): Uncertain significance. Review status: criteria provided, multiple submitters, no conflicts (2 of 4 stars). 2 submissions from 2 submitters: Uncertain significance (2). Last evaluated 2025-01-20.

Conditions:
Hereditary cancer-predisposing syndrome. Also called: Hereditary neoplastic syndrome; Tumor predisposition; Neoplastic Syndromes, Hereditary; Hereditary Cancer Syndrome. Identifiers: Orphanet 140162, MedGen C0027672, MeSH D009386, MONDO:0015356.
Microcephaly, normal intelligence and immunodeficiency (NBS). Also called: Immunodeficiency, microcephaly with normal intelligence; Nijmegen breakage syndrome; Ataxia telangiectasia variant V1; SEEMANOVA SYNDROME II; BERLIN BREAKAGE SYNDROME; IMMUNODEFICIENCY, MICROCEPHALY, AND CHROMOSOMAL INSTABILITY. Identifiers: Orphanet 647, MedGen C0398791, MONDO:0009623, OMIM 251260.

Submissions (2):

Ambry Genetics
Classification: Uncertain significance for Hereditary cancer-predisposing syndrome. Last evaluated: 2025-01-20. Review status: criteria provided, single submitter. Criteria: Ambry Variant Classification Scheme 2023. Collection method: clinical testing. Allele origin: germline.
Comment: The p.R43L variant (also known as c.128G>T), located in coding exon 2 of the NBN gene, results from a G to T substitution at nucleotide position 128. The arginine at codon 43 is replaced by leucine, an amino acid with dissimilar properties. This amino acid position is conserved. In addition, this alteration is predicted to be deleterious by in silico analysis. Based on the available evidence, the clinical significance of this variant remains unclear.

Labcorp Genetics (formerly Invitae), Labcorp
Classification: Uncertain significance for Microcephaly, normal intelligence and immunodeficiency. Last evaluated: 2019-10-23. Review status: criteria provided, single submitter. Criteria: Invitae Variant Classification Sherloc (09022015). Collection method: clinical testing. Allele origin: germline.
Comment: In summary, the available evidence is currently insufficient to determine the role of this variant in disease. Therefore, it has been classified as a Variant of Uncertain Significance. Algorithms developed to predict the effect of missense changes on protein structure and function are either unavailable or do not agree on the potential impact of this missense change (SIFT: "Deleterious"; PolyPhen-2: "Probably Damaging"; Align-GVGD: "Class C0"). This variant has not been reported in the literature in individuals with NBN-related conditions. This variant is not present in population databases (ExAC no frequency). This sequence change replaces arginine with leucine at codon 43 of the NBN protein (p.Arg43Leu). The arginine residue is highly conserved and there is a moderate physicochemical difference between arginine and leucine.